The following is an entry in ClinVar:

NM_152383.5(DIS3L2):c.547C>G (p.Gln183Glu)

Gene: DIS3L2 (DIS3 like 3'-5' exoribonuclease 2; plus strand). Cytogenetic location: 2q37.1.
Variant type: single nucleotide variant.
Coding change: c.547C>G on transcript NM_152383.5 (MANE Select); coding-DNA position 547, C replaced by G.
Protein change: p.Gln183Glu; replaces glutamine 183 with glutamic acid.
Molecular consequence: missense variant. On other transcripts: non-coding transcript variant (2).
Genome position (GRCh38, 1-based): chr2:232,087,667, C>G. VCF-style: chr2-232087667-C-G. GRCh37 (hg19) VCF-style: chr2-232952377-C-G.
Other names: c.547C>G, p.Gln183Glu (NM_001257281.2, NM_001257282.2); short protein forms Q183E.
Identifiers: ClinVar variation 1477548 (VCV001477548.8), dbSNP rs1173610603, ClinGen allele CA351155220.
Genomic context (GRCh38, chr2:232,087,667, plus strand): 5'-GATGTCATTGTAGAGGCTCAGTTTGATGGCAGCGACTCAGAAGATGGACATGGCATCACA[C>G]AAAATGTGCTGGTTGATGGTGTTAAGAAACTCTCAGTTTGTGTTTCTGAGAAAGGTGAGT-3'
Protein context (NP_689596.4, residues 173-193): SDSEDGHGIT[Gln183Glu]NVLVDGVKKL

ClinVar aggregate classification (germline): Uncertain significance (1 of 4 stars; one submission).

Conditions:
Perlman syndrome (PRLMNS). Identifiers: Orphanet 2849, MedGen C0796113, MONDO:0009965, OMIM 267000.

Submission:

Labcorp Genetics (formerly Invitae), Labcorp
Classification: Uncertain significance for Perlman syndrome. Last evaluated: 2021-03-17. Review status: criteria provided, single submitter. Criteria: Invitae Variant Classification Sherloc (09022015). Collection method: clinical testing. Allele origin: germline.
Comment: This variant has not been reported in the literature in individuals with DIS3L2-related conditions. In summary, the available evidence is currently insufficient to determine the role of this variant in disease. Therefore, it has been classified as a Variant of Uncertain Significance. Algorithms developed to predict the effect of missense changes on protein structure and function (SIFT, PolyPhen-2, Align-GVGD) all suggest that this variant is likely to be tolerated, but these predictions have not been confirmed by published functional studies and their clinical significance is uncertain. This variant is not present in population databases (ExAC no frequency). This sequence change replaces glutamine with glutamic acid at codon 183 of the DIS3L2 protein (p.Gln183Glu). The glutamine residue is weakly conserved and there is a small physicochemical difference between glutamine and glutamic acid.